The following is an entry in ClinVar:

NC_000001.10:g.(?_183536035)_(183536500_?)dup

Gene: NCF2 (neutrophil cytosolic factor 2; minus strand). Cytogenetic location: 1q25.3.
Variant type: Duplication.
Identifiers: ClinVar variation 534658 (VCV000534658.9).

ClinVar aggregate classification (germline): Pathogenic (1 of 4 stars; one submission).

Conditions:
Granulomatous disease, chronic, autosomal recessive, cytochrome b-positive, type 2. Also called: CGD, AUTOSOMAL RECESSIVE CYTOCHROME b-POSITIVE, TYPE II; GRANULOMATOUS DISEASE, CHRONIC, DUE TO NCF2 DEFICIENCY; Chronic Granulomatous Disease, Autosomal Recessive, Cytochrome b-Positive, Type II; GRANULOMATOUS DISEASE, CHRONIC, AUTOSOMAL RECESSIVE, 2; Chronic granulomatous disease due to deficiency of NCF-2. Identifiers: Orphanet 379, MedGen C1856245, MONDO:0009310, OMIM 233710.

Submission:

Labcorp Genetics (formerly Invitae), Labcorp
Classification: Pathogenic for Granulomatous disease, chronic, autosomal recessive, cytochrome b-positive, type 2. Last evaluated: 2023-08-27. Review status: criteria provided, single submitter. Criteria: Invitae Variant Classification Sherloc (09022015). Collection method: clinical testing. Allele origin: germline.
Comment: This variant results in a copy number gain of the genomic region encompassing exon(s) 8-9 of the NCF2 gene. While the exact position of this variant cannot be determined from the data, sub-genic copy number gains are generally in tandem (PMID: 25640679). This variant is predicted to be out-of-frame, and may result in an absent or disrupted protein product. Loss-of-function variants in NCF2 are known to be pathogenic (PMID: 10498624, 20167518). A similar copy number variant has been observed in individuals with chronic granulomatous disease (PMID: 11499676). This variant is also known as a duplication of exons 9-10. For these reasons, this variant has been classified as Pathogenic.

Literature cited by the submitters: PubMed 25640679; PubMed 10498624; PubMed 20167518; PubMed 11499676.